The following is an entry in ClinVar:

ClinVar aggregate classification (germline): Uncertain significance (1 of 4 stars; one submission).

Conditions:
Catecholaminergic polymorphic ventricular tachycardia 1. Also called: RYR2-Related Catecholaminergic Polymorphic Ventricular Tachycardia; VENTRICULAR TACHYCARDIA, STRESS-INDUCED POLYMORPHIC 1; VENTRICULAR TACHYCARDIA, CATECHOLAMINERGIC POLYMORPHIC, 1, WITH OR WITHOUT ATRIAL DYSFUNCTION AND/OR DILATED CARDIOMYOPATHY. Identifiers: Orphanet 3286, MedGen C1631597, MONDO:0011484, OMIM 604772.

Submission:

MVZ Medizinische Genetik Mainz
Classification: Uncertain significance for Catecholaminergic polymorphic ventricular tachycardia 1. Last evaluated: 2023-02-21. Review status: criteria provided, single submitter. Criteria: UK Practice Guidelines For Variant Classification V4 01 2020. Collection method: clinical testing. Allele origin: germline. Inheritance: Autosomal dominant inheritance. Affected: yes. Observed: 1 variant allele.
Comment: ACMG Criteria: PM2_SUP, PP2, PP3 (ACMG Version 4)

NM_001035.3(RYR2):c.11776G>A (p.Gly3926Ser)

Gene: RYR2 (ryanodine receptor 2; plus strand). Cytogenetic location: 1q43.
Variant type: single nucleotide variant.
Coding change: c.11776G>A on transcript NM_001035.3 (MANE Select); coding-DNA position 11776, G replaced by A.
Protein change: p.Gly3926Ser; replaces glycine 3926 with serine.
Molecular consequence: missense variant.
Genome position (GRCh38, 1-based): chr1:237,778,666, G>A. VCF-style: chr1-237778666-G-A. GRCh37 (hg19) VCF-style: chr1-237941966-G-A.
Other names: short protein forms G3926S.
Identifiers: ClinVar variation 3066164 (VCV003066164.1), dbSNP rs2149335271, ClinGen allele CA345408949.